The following is an entry in ClinVar:

NM_002473.6(MYH9):c.5612G>A (p.Arg1871His)

Gene: MYH9 (myosin heavy chain 9; minus strand). Cytogenetic location: 22q12.3.
Variant type: single nucleotide variant.
Coding change: c.5612G>A on transcript NM_002473.6 (MANE Select); coding-DNA position 5612, G replaced by A.
Protein change: p.Arg1871His; replaces arginine 1871 with histidine.
Molecular consequence: missense variant.
Genome position (GRCh38, 1-based): chr22:36,284,246, C>T on the plus strand (G>A on the coding strand, the complement: MYH9 is on the minus strand). VCF-style: chr22-36284246-C-T. GRCh37 (hg19) VCF-style: chr22-36680292-C-T.
Other names: short protein forms R1871H.
Identifiers: ClinVar variation 4691165 (VCV004691165.1).
Genomic context (GRCh38, chr22:36,284,246, plus strand): 5'-GCGTTGGCCCGCTGGGCCTCCTCTTCGGCCTCCTCCAGCTGCCGCTTGAGCTGCTTCAGG[C>T]GGGTAGATGCCTTGTCGGCCTGCGGAGATGGACGTGTGGCCCGTGGCCCCGGTTAGGGGC-3'
Protein context (NP_002464.1, residues 1861-1881): YKDQADKAST[Arg1871His]LKQLKRQLEE

ClinVar aggregate classification (germline): Uncertain significance (1 of 4 stars; one submission).

gnomAD v4.1: 15 of 1,611,682 alleles (0.00093%); highest among the groups gnomAD compares: African/African-American, 0.0013%; no homozygotes.

Submission:

Labcorp Genetics (formerly Invitae), Labcorp
Classification: Uncertain significance. Last evaluated: 2025-06-17. Review status: criteria provided, single submitter. Criteria: Invitae Variant Classification Sherloc (09022015). Collection method: clinical testing. Allele origin: germline.
Comment: This sequence change replaces arginine, which is basic and polar, with histidine, which is basic and polar, at codon 1871 of the MYH9 protein (p.Arg1871His). This variant is present in population databases (no rsID available, gnomAD 0.0009%). This variant has not been reported in the literature in individuals affected with MYH9-related conditions. Invitae Evidence Modeling of protein sequence and biophysical properties (such as structural, functional, and spatial information, amino acid conservation, physicochemical variation, residue mobility, and thermodynamic stability) has been performed for this missense variant. However, the output from this modeling did not meet the statistical confidence thresholds required to predict the impact of this variant on MYH9 protein function. In summary, the available evidence is currently insufficient to determine the role of this variant in disease. Therefore, it has been classified as a Variant of Uncertain Significance.